The following is an entry in ClinVar:

NM_000448.3(RAG1):c.937del (p.Cys313fs)

Gene: RAG1 (recombination activating 1; plus strand). Cytogenetic location: 11p12.
Variant type: Deletion.
Coding change: c.937del on transcript NM_000448.3 (MANE Select); coding-DNA position 937, one base deleted (T; older notation c.937delT).
Protein change: p.Cys313fs; shifts the reading frame from cysteine 313.
Molecular consequence: frameshift variant.
Genome position (GRCh38, 1-based): chr11:36,574,241, T deleted; the last of 4 consecutive T bases (chr11:36,574,238-36,574,241); deleting any one gives the same sequence. VCF-style (leftmost placement, unchanged base first): chr11-36574237-CT-C. GRCh37 (hg19) VCF-style: chr11-36595787-CT-C.
Other names: c.937del, p.Cys313fs (NM_001377277.1, NM_001377278.1, NM_001377279.1 and 1 more transcripts); short protein forms C313fs.
Identifiers: ClinVar variation 2944459 (VCV002944459.3), dbSNP rs2494753892, ClinGen allele CA2613150589.
Genomic context (GRCh38, chr11:36,574,237, plus strand): 5'-CTCCTGCCAGATCTGTGAACACATTCTGGCTGACCCTGTGGAGACCAACTGTAAGCATGT[CT>C]TTTGCCGGGTCTGCATTCTCAGATGCCTCAAAGTCATGGGCAGCTATTGTCCCTCTTGCC-3'

ClinVar aggregate classification (germline): Pathogenic (1 of 4 stars; one submission).

Conditions:
Severe combined immunodeficiency, autosomal recessive, T cell-negative, B cell-negative, NK cell-positive. Also called: SCID, T CELL-NEGATIVE, B CELL-NEGATIVE, NK CELL-POSITIVE; SCID, AR, T-cell negative, B-cell negative, NK cell-positive; Severe combined immunodeficiency due to complete RAG1/2 deficiency. Identifiers: Orphanet 331206, MedGen C1832322, MONDO:0011086, OMIM 601457.
Combined immunodeficiency with skin granulomas. Identifiers: Orphanet 157949, MedGen C2673536, MONDO:0009306, OMIM 233650.

Submission:

Labcorp Genetics (formerly Invitae), Labcorp
Classification: Pathogenic for Combined immunodeficiency with skin granulomas; Severe combined immunodeficiency, autosomal recessive, T cell-negative, B cell-negative, NK cell-positive. Last evaluated: 2023-05-16. Review status: criteria provided, single submitter. Criteria: Invitae Variant Classification Sherloc (09022015). Collection method: clinical testing. Allele origin: germline.
Comment: For these reasons, this variant has been classified as Pathogenic. This variant disrupts a region of the RAG1 protein in which other variant(s) (p.Pro337Leufs*8) have been determined to be pathogenic (PMID: 11313270, 18442948, 24290284). This suggests that this is a clinically significant region of the protein, and that variants that disrupt it are likely to be disease-causing. This variant has not been reported in the literature in individuals affected with RAG1-related conditions. This variant is not present in population databases (gnomAD no frequency). This sequence change creates a premature translational stop signal (p.Cys313Alafs*32) in the RAG1 gene. While this is not anticipated to result in nonsense mediated decay, it is expected to disrupt the last 731 amino acid(s) of the RAG1 protein.

Literature cited by the submitters: PubMed 11313270; PubMed 18442948; PubMed 24290284.